The following is an entry in ClinVar:

ClinVar aggregate classification (germline): Benign/Likely benign. Review status: criteria provided, multiple submitters, no conflicts (2 of 4 stars). 22 submissions from 22 submitters: Benign (8); Likely benign (8). 6 of the submissions do not count toward it. Last evaluated 2026-07-01.

Conditions:
Hereditary cancer-predisposing syndrome. Also called: Neoplastic Syndromes, Hereditary; Hereditary Cancer Syndrome; Tumor predisposition; Hereditary neoplastic syndrome. Identifiers: Orphanet 140162, MedGen C0027672, MeSH D009386, MONDO:0015356.
Breast and/or ovarian cancer. Identifiers: MedGen CN221562.
Familial cancer of breast. Also called: hereditary breast carcinoma; BREAST CANCER, FAMILIAL; Hereditary breast cancer. Identifiers: Orphanet 227535, MedGen C0346153, MONDO:0016419, OMIM 114480. Disease mechanism: loss of function.
Ataxia-telangiectasia syndrome (AT). Also called: LOUIS-BAR SYNDROME; Cerebello-oculocutaneous telangiectasia; Immunodeficiency with ataxia telangiectasia; Ataxia-telangiectasia, complementation group E; Ataxia telangiectasia (A-T); Ataxia-telangiectasia, complementation group D. Identifiers: Orphanet 100, MedGen C0004135, MONDO:0008840, OMIM 208900.

Allele frequency attached by ClinVar (database versions not stated): ESP Exome Variant Server 0.00008; gnomAD 0.00030 and 0.00041; TOPMed 0.00043; ExAC 0.00051; gnomAD exomes 0.00056; 1000 Genomes Project 30x 0.00219; 1000 Genomes Project 0.00240.
gnomAD v4.1: 355 of 1,614,076 alleles (0.022%); highest among the groups gnomAD compares: East Asian, 0.63%; 1 homozygote.

Submissions 1 to 20 of 22:

CeGaT Center for Human Genetics Tuebingen
Classification: Likely benign. Last evaluated: 2026-07-01. Review status: criteria provided, single submitter. Criteria: CeGaT Center For Human Genetics Tuebingen Variant Classification Criteria Version 2. Collection method: clinical testing. Allele origin: germline. Affected: yes. Observed: 4 variant alleles.
Comment: ATM: BP4

Labcorp Genetics (formerly Invitae), Labcorp
Classification: Benign for Ataxia-telangiectasia syndrome. Last evaluated: 2026-02-04. Review status: criteria provided, single submitter. Criteria: Invitae Variant Classification Sherloc (09022015). Collection method: clinical testing. Allele origin: germline.

Quest Diagnostics Nichols Institute San Juan Capistrano
Classification: Likely benign. Last evaluated: 2025-08-06. Review status: criteria provided, single submitter. Criteria: Quest Diagnostics criteria. Collection method: clinical testing. Allele origin: unknown.

Center for Genomic Medicine, Rigshospitalet, Copenhagen University Hospital
Classification: Benign. Last evaluated: 2025-03-04. Review status: criteria provided, single submitter. Criteria: ACMG Guidelines, 2015. Collection method: clinical testing. Allele origin: germline.

Blueprint Genetics
Classification: Likely benign. Last evaluated: 2024-09-03. Review status: criteria provided, single submitter. Criteria: ACMG Guidelines, 2015. Collection method: clinical testing. Allele origin: germline.

Athena Diagnostics
Classification: Likely benign. Last evaluated: 2024-07-11. Review status: criteria provided, single submitter. Criteria: Athena Diagnostics Criteria. Collection method: clinical testing. Allele origin: unknown.

Myriad Genetics, Inc.
Classification: Likely benign for Familial cancer of breast. Last evaluated: 2024-05-21. Review status: criteria provided, single submitter. Criteria: Myriad Autosomal Dominant, Autosomal Recessive and X-Linked Classification Criteria (2023). Collection method: clinical testing. Allele origin: unknown.
Comment: This variant is considered likely benign. This variant has been observed at a population frequency that is significantly greater than expected given the associated disease prevalence and penetrance.

KCCC/NGS Laboratory, Kuwait Cancer Control Center
Classification: Benign for Familial cancer of breast. Last evaluated: 2023-07-07. Review status: criteria provided, single submitter. Criteria: ACMG Guidelines, 2015. Collection method: clinical testing. Allele origin: germline. Affected: yes.

CHEO Genetics Diagnostic Laboratory, Children's Hospital of Eastern Ontario
Classification: Likely benign for Breast and/or ovarian cancer. Last evaluated: 2022-12-05. Review status: criteria provided, single submitter. Criteria: ACMG Guidelines, 2015. Collection method: clinical testing. Allele origin: germline.

Women's Health and Genetics/Laboratory Corporation of America, LabCorp
Classification: Benign. Last evaluated: 2021-09-30. Review status: criteria provided, single submitter. Criteria: LabCorp Variant Classification Summary - May 2015. Collection method: clinical testing. Allele origin: germline.
Comment: Variant summary: ATM c.4949A>G (p.Asn1650Ser) results in a conservative amino acid change in the encoded protein sequence. Five of five in-silico tools predict a benign effect of the variant on protein function. The variant allele was found at a frequency of 0.0012 in 304304 control chromosomes, predominantly at a frequency of 0.0073 within the East Asian subpopulation in the gnomAD database. The observed variant frequency within East Asian control individuals in the gnomAD database is approximately 7-fold of the estimated maximal expected allele frequency for a pathogenic variant in ATM causing Breast Cancer phenotype (0.001), strongly suggesting that the variant is a benign polymorphism found primarily in populations of East Asian origin. c.4949A>G has been reported in the literature in individuals affected with different types of cancer including pediatric Hodgkins disease, breast cancer, gastric cancer, pancreatic cancer, biliary tract carcinoma, colorectal cancer and lung cancer (e.g. Takagi_2004, Tavtigian_2009, Bernstein_2010, Harismendy_2013, Grant_2015, Huang_2015, Lu_2015, Tung_2016, Toh_2018, Xie_2018, Terashima_2019) but it was also reported in a large number of controls (e.g. Shi_2011, Momozawa_2018). These data do not provide unequivocal conclusions about association of the variant with Breast Cancer. Co-occurrences with pathogenic variants have been observed at our laboratory (RAD51D c.904-2A>T; ATM c.5712dupA, p.Ser1905fsX25; Internal testing), providing supporting evidence for a benign role. Experimental evidence evaluating an impact on protein function indicated that this variant provided insufficient complementation of radiosensitivity in ATM-null cells and that phosphorylation by this variant in ATM-competent cells was inhibited in a dominant-negative manner (Takagi_2004). The authors conclude that the function of this polymorphic variant is defective under heterozygous conditions, however, in our assessment, the in-vivo impact of this finding is not clearly established. Multiple ClinVar submitters (evaluation after 2014) cite the variant with complete consensus as benign/likely benign. Based on the evidence outlined above, the variant was classified as benign.

Sema4
Classification: Benign for Hereditary cancer-predisposing syndrome. Last evaluated: 2021-03-22. Review status: criteria provided, single submitter. Criteria: Sema4 Curation Guidelines. Collection method: curation. Allele origin: germline.

GeneDx
Classification: Likely benign. Last evaluated: 2020-10-09. Review status: criteria provided, single submitter. Criteria: GeneDx Variant Classification Process June 2021. Collection method: clinical testing. Allele origin: germline. Affected: yes.
Comment: This variant is associated with the following publications: (PMID: 24951259, 19781682, 21787400, 17344846, 24728327, 26976419, 26787654, 26689913, 23555315, 21910157, 12969974, 26506520, 22529920, 20232390, 20305132, 28580595)

Illumina Laboratory Services, Illumina
Classification: Likely benign for Ataxia-telangiectasia syndrome. Last evaluated: 2017-04-27. Review status: criteria provided, single submitter. Criteria: ICSL Variant Classification Criteria 13 December 2019. Collection method: clinical testing. Allele origin: germline.
Comment: This variant was observed as part of a predisposition screen in an ostensibly healthy population. A literature search was performed for the gene, cDNA change, and amino acid change (where applicable). No publications were found based on this search. Allele frequency data from public databases allowed determination this variant is unlikely to cause disease. Therefore, this variant is classified as likely benign.

Eurofins Ntd Llc (ga)
Classification: Benign. Last evaluated: 2015-08-28. Review status: criteria provided, single submitter. Criteria: EGL Classification Definitions 2015. Collection method: clinical testing. Allele origin: germline. Observed: 1 variant allele, 1 heterozygote.

Color Diagnostics, LLC DBA Color Health
Classification: Benign for Hereditary cancer-predisposing syndrome. Last evaluated: 2015-04-13. Review status: criteria provided, single submitter. Criteria: ACMG Guidelines, 2015. Collection method: clinical testing. Allele origin: germline.

Ambry Genetics
Classification: Benign for Hereditary cancer-predisposing syndrome. Last evaluated: 2014-11-19. Review status: criteria provided, single submitter. Criteria: Ambry Variant Classification Scheme 2023. Collection method: clinical testing. Allele origin: germline.

True Health Diagnostics
Classification: Likely benign for Hereditary cancer-predisposing syndrome. Last evaluated: 2017-08-22. Review status: no assertion criteria provided. Collection method: clinical testing. Allele origin: germline. Not counted in ClinVar's aggregate classification.

ITMI
No classification provided. Condition: AllHighlyPenetrant. Last evaluated: 2013-09-19. Review status: no classification provided. Collection method: reference population. Allele origin: germline. Not counted in ClinVar's aggregate classification.
Comment: Please see associated publication for description of ethnicities

Clinical Genetics DNA and cytogenetics Diagnostics Lab, Erasmus MC, Erasmus Medical Center
Classification: Likely benign. Review status: no assertion criteria provided. Collection method: clinical testing. Allele origin: germline. Affected: yes. Study: VKGL Data-share Consensus. Not counted in ClinVar's aggregate classification.

Clinical Genetics Laboratory, Department of Pathology, Netherlands Cancer Institute
Classification: Likely benign. Review status: no assertion criteria provided. Collection method: clinical testing. Allele origin: germline. Affected: yes. Study: VKGL Data-share Consensus. Not counted in ClinVar's aggregate classification.

NM_000051.4(ATM):c.4949A>G (p.Asn1650Ser)

Gene: ATM (ATM serine/threonine kinase; plus strand). Cytogenetic location: 11q22.3.
Variant type: single nucleotide variant.
Coding change: c.4949A>G on transcript NM_000051.4 (MANE Select); coding-DNA position 4949, A replaced by G.
Protein change: p.Asn1650Ser; replaces asparagine 1650 with serine.
Molecular consequence: missense variant.
Genome position (GRCh38, 1-based): chr11:108,297,326, A>G. VCF-style: chr11-108297326-A-G. GRCh37 (hg19) VCF-style: chr11-108168053-A-G.
Other names: p.N1650S:AAT>AGT; c.4949A>G, p.Asn1650Ser (NM_001351834.2); short protein forms N1650S.
Identifiers: ClinVar variation 127395 (VCV000127395.66), dbSNP rs55870064, ClinGen allele CA157128.